The following is an entry in ClinVar:

NM_181426.2(CCDC39):c.2230C>G (p.Gln744Glu)

Gene: CCDC39 (coiled-coil domain 39 molecular ruler complex subunit; minus strand). Cytogenetic location: 3q26.33.
Variant type: single nucleotide variant.
Coding change: c.2230C>G on transcript NM_181426.2 (MANE Select); coding-DNA position 2230, C replaced by G.
Protein change: p.Gln744Glu; replaces glutamine 744 with glutamic acid.
Molecular consequence: missense variant.
Genome position (GRCh38, 1-based): chr3:180,619,294, G>C on the plus strand (C>G on the coding strand, the complement: CCDC39 is on the minus strand). VCF-style: chr3-180619294-G-C. GRCh37 (hg19) VCF-style: chr3-180337082-G-C.
Other names: short protein forms Q744E.
Identifiers: ClinVar variation 162841 (VCV000162841.25), dbSNP rs61733579, ClinGen allele CA175417.

ClinVar aggregate classification (germline): Benign. Review status: criteria provided, multiple submitters, no conflicts (2 of 4 stars). 7 submissions from 7 submitters: Benign (7). Last evaluated 2026-02-02.

Conditions:
Primary ciliary dyskinesia. Also called: Ciliary dyskinesia. Identifiers: Orphanet 244, MedGen C0008780, MONDO:0016575, HP:0012265.
Primary ciliary dyskinesia 14. Also called: CILIARY DYSKINESIA, PRIMARY, 14, WITH OR WITHOUT SITUS INVERSUS. Identifiers: Orphanet 244, MedGen C3151136, MONDO:0013434, OMIM 613807.

Allele frequency attached by ClinVar (database versions not stated): gnomAD 0.01757 and 0.01895; TOPMed 0.01937; 1000 Genomes Project 30x 0.01983; gnomAD exomes 0.00147 and 0.00358; ExAC 0.00717; ESP Exome Variant Server 0.01589; 1000 Genomes Project 0.01757.
gnomAD v4.1: 4,806 of 1,544,380 alleles (0.31%); highest among the groups gnomAD compares: African/African-American, 6%; 154 homozygotes.

Submissions (7):

Labcorp Genetics (formerly Invitae), Labcorp
Classification: Benign for Primary ciliary dyskinesia. Last evaluated: 2026-02-02. Review status: criteria provided, single submitter. Criteria: Invitae Variant Classification Sherloc (09022015). Collection method: clinical testing. Allele origin: germline.

GeneDx
Classification: Benign. Last evaluated: 2019-03-03. Review status: criteria provided, single submitter. Criteria: GeneDx Variant Classification Process June 2021. Collection method: clinical testing. Allele origin: germline. Affected: yes.

Illumina Laboratory Services, Illumina
Classification: Benign for Primary ciliary dyskinesia 14. Last evaluated: 2018-01-13. Review status: criteria provided, single submitter. Criteria: ICSL Variant Classification Criteria 13 December 2019. Collection method: clinical testing. Allele origin: germline.
Comment: This variant was observed in the ICSL laboratory as part of a predisposition screen in an ostensibly healthy population. It had not been previously curated by ICSL or reported in the Human Gene Mutation Database (HGMD: prior to June 1st, 2018), and was therefore a candidate for classification through an automated scoring system. Utilizing variant allele frequency, disease prevalence and penetrance estimates, and inheritance mode, an automated score was calculated to assess if this variant is too frequent to cause the disease. Based on the score and internal cut-off values, a variant classified as benign is not then subjected to further curation. The score for this variant resulted in a classification of benign for this disease.

Ambry Genetics
Classification: Benign for Primary ciliary dyskinesia. Last evaluated: 2017-02-06. Review status: criteria provided, single submitter. Criteria: Ambry Variant Classification Scheme 2023. Collection method: clinical testing. Allele origin: germline.

Laboratory for Molecular Medicine, Mass General Brigham Personalized Medicine
Classification: Benign. Last evaluated: 2013-02-21. Review status: criteria provided, single submitter. Criteria: LMM Criteria. Collection method: clinical testing. Allele origin: germline. Observed: 2 variant alleles.
Comment: Gln744Glu in exon 16 of CCDC39: This variant is not expected to have clinical si gnificance because it has been identified in 5.2% (181/3510) of African American chromosomes from a broad population by the NHLBI Exome Sequencing Project (dbSNP rs61733579).

Breakthrough Genomics
Classification: Benign. Review status: criteria provided, single submitter. Criteria: ACMG Guidelines, 2015. Collection method: not provided. Allele origin: germline. Inheritance: Autosomal recessive inheritance. Affected: yes.

PreventionGenetics, part of Exact Sciences
Classification: Benign. Review status: criteria provided, single submitter. Criteria: ACMG Guidelines, 2015. Collection method: clinical testing. Allele origin: germline.